The following is an entry in ClinVar:

ClinVar aggregate classification (germline): Uncertain significance. Review status: criteria provided, multiple submitters, no conflicts (2 of 4 stars). 3 submissions from 3 submitters: Uncertain significance (2). 1 of the submissions does not count toward it. Last evaluated 2025-09-30.

Conditions:
Hereditary cancer-predisposing syndrome. Also called: Neoplastic Syndromes, Hereditary; Hereditary Cancer Syndrome; Tumor predisposition; Hereditary neoplastic syndrome. Identifiers: Orphanet 140162, MedGen C0027672, MeSH D009386, MONDO:0015356.
Ataxia-telangiectasia syndrome (AT). Also called: LOUIS-BAR SYNDROME; Cerebello-oculocutaneous telangiectasia; Immunodeficiency with ataxia telangiectasia; Ataxia-telangiectasia, complementation group D; AT, COMPLEMENTATION GROUP C; Ataxia-telangiectasia, complementation group E. Identifiers: Orphanet 100, MedGen C0004135, MONDO:0008840, OMIM 208900.

Submissions (3):

Labcorp Genetics (formerly Invitae), Labcorp
Classification: Uncertain significance for Ataxia-telangiectasia syndrome. Last evaluated: 2025-09-30. Review status: criteria provided, single submitter. Criteria: Invitae Variant Classification Sherloc (09022015). Collection method: clinical testing. Allele origin: germline.
Comment: This sequence change replaces glutamine, which is neutral and polar, with arginine, which is basic and polar, at codon 2397 of the ATM protein (p.Gln2397Arg). This variant is not present in population databases (gnomAD no frequency). This missense change has been observed in individual(s) with colorectal cancer (PMID: 28135145). ClinVar contains an entry for this variant (Variation ID: 407544). Invitae Evidence Modeling of protein sequence and biophysical properties (such as structural, functional, and spatial information, amino acid conservation, physicochemical variation, residue mobility, and thermodynamic stability) has been performed for this missense variant. However, the output from this modeling did not meet the statistical confidence thresholds required to predict the impact of this variant on ATM protein function. In summary, the available evidence is currently insufficient to determine the role of this variant in disease. Therefore, it has been classified as a Variant of Uncertain Significance.

Ambry Genetics
Classification: Uncertain significance for Hereditary cancer-predisposing syndrome. Last evaluated: 2021-09-13. Review status: criteria provided, single submitter. Criteria: Ambry Variant Classification Scheme 2023. Collection method: clinical testing. Allele origin: germline.
Comment: The p.Q2397R variant (also known as c.7190A>G), located in coding exon 48 of the ATM gene, results from an A to G substitution at nucleotide position 7190. The glutamine at codon 2397 is replaced by arginine, an amino acid with highly similar properties. This amino acid position is highly conserved in available vertebrate species. In addition, this alteration is predicted to be deleterious by in silico analysis. Since supporting evidence is limited at this time, the clinical significance of this alteration remains unclear.

Natera, Inc.
Classification: Uncertain significance for Ataxia-telangiectasia. Last evaluated: 2020-12-03. Review status: no assertion criteria provided. Collection method: clinical testing. Allele origin: germline. Not counted in ClinVar's aggregate classification.

Literature cited by the submitters: PubMed 28135145 (cited by Labcorp Genetics (formerly Invitae), Labcorp).

NM_000051.4(ATM):c.7190A>G (p.Gln2397Arg)

Genes: ATM (ATM serine/threonine kinase; plus strand), C11orf65 (chromosome 11 open reading frame 65; minus strand). Cytogenetic location: 11q22.3.
Variant type: single nucleotide variant.
Coding change: c.7190A>G on transcript NM_000051.4 (MANE Select); coding-DNA position 7190, A replaced by G.
Protein change: p.Gln2397Arg; replaces glutamine 2397 with arginine.
Molecular consequence: missense variant. On other transcripts: intron variant (2).
Genome position (GRCh38, 1-based): chr11:108,329,121, A>G. VCF-style: chr11-108329121-A-G. GRCh37 (hg19) VCF-style: chr11-108199848-A-G.
Other names: c.7190A>G, p.Gln2397Arg (NM_001351834.2); c.641-20050T>C (NM_001330368.2); c.*38+6099T>C (NM_001351110.2); short protein forms Q2397R.
Identifiers: ClinVar variation 407544 (VCV000407544.22), dbSNP rs1060501592, ClinGen allele CA16613202.